The following is an entry in ClinVar:

ClinVar aggregate classification (germline): Uncertain significance (1 of 4 stars; one submission).

Allele frequency attached by ClinVar (database versions not stated): gnomAD exomes below 0.00001; TOPMed below 0.00001; ExAC 0.00001; gnomAD 0.00001.
gnomAD v4.1: 3 of 1,613,408 alleles (0.00019%); highest among the groups gnomAD compares: Non-Finnish European, 0.00025%; no homozygotes.

Submission:

GeneDx
Classification: Uncertain significance. Last evaluated: 2023-04-21. Review status: criteria provided, single submitter. Criteria: GeneDx Variant Classification Process June 2021. Collection method: clinical testing. Allele origin: germline. Affected: yes.
Comment: Has not been previously published as pathogenic or benign to our knowledge; Not observed at significant frequency in large population cohorts (gnomAD); Occurs in the triple helical domain at the X position in the canonical Gly-X-Y repeat; although this variant may have an effect on normal protein folding and function, missense substitution at the X position is not a common mechanism of disease (HGMD); In silico analysis supports that this missense variant has a deleterious effect on protein structure/function

NM_001844.5(COL2A1):c.2891C>T (p.Pro964Leu)

Gene: COL2A1 (collagen type II alpha 1 chain; minus strand). Cytogenetic location: 12q13.11.
Variant type: single nucleotide variant.
Coding change: c.2891C>T on transcript NM_001844.5 (MANE Select); coding-DNA position 2891, C replaced by T.
Protein change: p.Pro964Leu; replaces proline 964 with leucine.
Molecular consequence: missense variant.
Genome position (GRCh38, 1-based): chr12:47,978,601, G>A on the plus strand (C>T on the coding strand, the complement: COL2A1 is on the minus strand). VCF-style: chr12-47978601-G-A. GRCh37 (hg19) VCF-style: chr12-48372384-G-A.
Other names: c.2684C>T, p.Pro895Leu (NM_033150.3); short protein forms P895L, P964L.
Identifiers: ClinVar variation 2663541 (VCV002663541.1), dbSNP rs762474697, ClinGen allele CA6534968.
Genomic context (GRCh38, chr12:47,978,601, plus strand): 5'-AGCCACTCACGACCCTGCTCCCAGGGACCTTGGCATGGGCCTGGTGAGGGACTTACAGAG[G>A]GACCGTCATCTCCAGGCTCTCCCTTCTCGCCAGGGGGTCCAGCAGGACCTTGGAGGCCGG-3'
Protein context (NP_001835.3, residues 954-974): GEKGEPGDDG[Pro964Leu]SGAEGPPGPQ